The following is an entry in ClinVar:

ClinVar aggregate classification (germline): Likely pathogenic (1 of 4 stars; one submission).

Conditions:
Cardiovascular phenotype. Identifiers: MedGen CN230736.

Submission:

Ambry Genetics
Classification: Likely pathogenic for Cardiovascular phenotype. Last evaluated: 2024-09-19. Review status: criteria provided, single submitter. Criteria: Ambry Variant Classification Scheme 2023. Collection method: clinical testing. Allele origin: germline.
Comment: The c.32958delA variant, located in coding exon 130 of the TTN gene, results from a deletion of one nucleotide at nucleotide position 32958, causing a translational frameshift with a predicted alternate stop codon (p.A10987Lfs*16). This exon is located in the A-band region of the N2-B isoform of the titin protein and is constitutively expressed in TTN transcripts (percent spliced in or PSI 100%). This alteration is expected to result in loss of function by premature protein truncation or nonsense-mediated mRNA decay. While truncating variants in TTN are present in 1-3% of the general population, truncating variants in the A-band are the most common cause of dilated cardiomyopathy (DCM) (Herman DS et al. N. Engl. J. Med., 2012 Feb;366:619-28; Roberts AM et al. Sci Transl Med, 2015 Jan;7:270ra6). TTN truncating variants encoded in constitutive exons (PSI >90%) have been found to be significantly associated with DCM regardless of their position in titin (Schafer S et al. Nat. Genet., 2017 01;49:46-53). This variant is considered to be rare based on population cohorts in the Genome Aggregation Database (gnomAD). Based on the majority of available evidence to date, this variant is likely to be pathogenic.

NM_001267550.2(TTN):c.60153del (p.Ala20052fs)

Genes: TTN (titin; minus strand), TTN-AS1 (TTN antisense RNA 1; plus strand), LOC126806424 (CDK7 strongly-dependent group 2 enhancer GRCh37_chr2:179456337-179457536; plus strand). Cytogenetic location: 2q31.2.
Variant type: Deletion.
Coding change: c.60153del on transcript NM_001267550.2 (MANE Select); coding-DNA position 60153, one base deleted (A; older notation c.60153delA).
Protein change: p.Ala20052fs; shifts the reading frame from alanine 20052.
Molecular consequence: frameshift variant.
Genome position (GRCh38, 1-based): chr2:178,591,666, T deleted on the plus strand (A on the coding strand, the reverse complement: TTN is on the minus strand); the first of 4 consecutive T bases (chr2:178,591,666-178,591,669); deleting any one gives the same sequence. VCF-style (leftmost placement, unchanged base first): chr2-178591665-CT-C. GRCh37 (hg19) VCF-style: chr2-179456392-CT-C.
Other names: c.55230del, p.Ala18411fs (NM_001256850.1); c.32958del, p.Ala10987fs (NM_003319.4); c.52449del, p.Ala17484fs (NM_133378.4); c.33333del, p.Ala11112fs (NM_133432.3); c.33534del, p.Ala11179fs (NM_133437.4); c.32958delA (NM_003319.4); short protein forms A17484fs, A20052fs, A11112fs, A18411fs, A10987fs, A11179fs.
Identifiers: ClinVar variation 3463774 (VCV003463774.1).